The following is an entry in ClinVar:

ClinVar aggregate classification (germline): Uncertain significance (1 of 4 stars; one submission).

Submission:

Ambry Genetics
Classification: Uncertain significance. Last evaluated: 2022-04-19. Review status: criteria provided, single submitter. Criteria: Ambry Variant Classification Scheme 2023. Collection method: clinical testing. Allele origin: germline.
Comment: The p.F400V variant (also known as c.1198T>G), located in coding exon 9 of the FAM175A gene, results from a T to G substitution at nucleotide position 1198. The phenylalanine at codon 400 is replaced by valine, an amino acid with highly similar properties. This amino acid position is conserved. In addition, this alteration is predicted to be tolerated by in silico analysis. Since supporting evidence is limited at this time, the clinical significance of this alteration remains unclear.

NM_139076.3(ABRAXAS1):c.1198T>G (p.Phe400Val)

Gene: ABRAXAS1 (abraxas 1, BRCA1 A complex subunit; minus strand). Cytogenetic location: 4q21.23.
Variant type: single nucleotide variant.
Coding change: c.1198T>G on transcript NM_139076.3 (MANE Select); coding-DNA position 1198, T replaced by G.
Protein change: p.Phe400Val; replaces phenylalanine 400 with valine.
Molecular consequence: missense variant.
Genome position (GRCh38, 1-based): chr4:83,462,501, A>C on the plus strand (T>G on the coding strand, the complement: ABRAXAS1 is on the minus strand). VCF-style: chr4-83462501-A-C. GRCh37 (hg19) VCF-style: chr4-84383654-A-C.
Other names: c.871T>G, p.Phe291Val (NM_001345962.2); short protein forms F291V, F400V.
Identifiers: ClinVar variation 1800070 (VCV001800070.3), dbSNP rs2529417600, ClinGen allele CA357254905.